The following is an entry in ClinVar:

ClinVar aggregate classification (germline): Likely benign. Review status: criteria provided, multiple submitters, no conflicts (2 of 4 stars). 3 submissions from 3 submitters: Likely benign (3). Last evaluated 2024-05-10.

Conditions:
Hereditary cancer-predisposing syndrome. Also called: Tumor predisposition; Neoplastic Syndromes, Hereditary; Hereditary Cancer Syndrome; Hereditary neoplastic syndrome. Identifiers: Orphanet 140162, MedGen C0027672, MeSH D009386, MONDO:0015356.
Familial cancer of breast. Also called: BREAST CANCER, FAMILIAL; hereditary breast carcinoma; Hereditary breast cancer. Identifiers: Orphanet 227535, MedGen C0346153, MONDO:0016419, OMIM 114480. Disease mechanism: loss of function.
Ataxia-telangiectasia syndrome (AT). Also called: Ataxia-telangiectasia; Ataxia-telangiectasia, complementation group D; AT, COMPLEMENTATION GROUP C; LOUIS-BAR SYNDROME; Cerebello-oculocutaneous telangiectasia; Immunodeficiency with ataxia telangiectasia. Identifiers: Orphanet 100, MedGen C0004135, MONDO:0008840, OMIM 208900.

Allele frequency attached by ClinVar (database versions not stated): gnomAD 0.00001.
gnomAD v4.1: 1 of 1,610,368 alleles (0.000062%); no homozygotes.

Submissions (3):

Myriad Genetics, Inc.
Classification: Likely benign for Familial cancer of breast. Last evaluated: 2024-05-10. Review status: criteria provided, single submitter. Criteria: Myriad Autosomal Dominant, Autosomal Recessive and X-Linked Classification Criteria (2023). Collection method: clinical testing. Allele origin: unknown.
Comment: This variant is considered likely benign. This variant is intronic and is not expected to impact mRNA splicing.

Labcorp Genetics (formerly Invitae), Labcorp
Classification: Likely benign for Ataxia-telangiectasia syndrome. Last evaluated: 2024-02-11. Review status: criteria provided, single submitter. Criteria: Invitae Variant Classification Sherloc (09022015). Collection method: clinical testing. Allele origin: germline.

Color Diagnostics, LLC DBA Color Health
Classification: Likely benign for Hereditary cancer-predisposing syndrome. Last evaluated: 2017-01-16. Review status: criteria provided, single submitter. Criteria: ACMG Guidelines, 2015. Collection method: clinical testing. Allele origin: germline.

NM_000051.4(ATM):c.2639-18A>G

Gene: ATM (ATM serine/threonine kinase; plus strand). Cytogenetic location: 11q22.3.
Variant type: single nucleotide variant.
Coding change: c.2639-18A>G on transcript NM_000051.4 (MANE Select); 18 bases into the intron before coding-DNA position 2639, A replaced by G.
Molecular consequence: intron variant.
Genome position (GRCh38, 1-based): chr11:108,268,392, A>G. VCF-style: chr11-108268392-A-G. GRCh37 (hg19) VCF-style: chr11-108139119-A-G.
Other names: c.2639-18A>G (NM_001351834.2).
Identifiers: ClinVar variation 490481 (VCV000490481.7), dbSNP rs1555083057, ClinGen allele CA658683753.